The following is an entry in ClinVar:

NM_001128148.3(TFRC):c.4A>T (p.Met2Leu)

Gene: TFRC (transferrin receptor; minus strand). Cytogenetic location: 3q29.
Variant type: single nucleotide variant.
Coding change: c.4A>T on transcript NM_001128148.3 (MANE Select); coding-DNA position 4, A replaced by T.
Protein change: p.Met2Leu; replaces methionine 2 with leucine.
Molecular consequence: missense variant. On other transcripts: 5 prime UTR variant (2).
Genome position (GRCh38, 1-based): chr3:196,077,096, T>A on the plus strand (A>T on the coding strand, the complement: TFRC is on the minus strand). VCF-style: chr3-196077096-T-A. GRCh37 (hg19) VCF-style: chr3-195803967-T-A.
Other names: c.-38A>T (NM_001313965.2); c.-445A>T (NM_001313966.2); c.4A>T, p.Met2Leu (NM_003234.4); short protein forms M2L.
Identifiers: ClinVar variation 4714000 (VCV004714000.1).

ClinVar aggregate classification (germline): Uncertain significance (1 of 4 stars; one submission).

gnomAD v4.1: 3 of 1,613,646 alleles (0.00019%); highest among the groups gnomAD compares: Non-Finnish European, 0.00025%; no homozygotes.

Submission:

Labcorp Genetics (formerly Invitae), Labcorp
Classification: Uncertain significance. Last evaluated: 2025-11-16. Review status: criteria provided, single submitter. Criteria: Invitae Variant Classification Sherloc (09022015). Collection method: clinical testing. Allele origin: germline.
Comment: This sequence change replaces methionine, which is neutral and non-polar, with leucine, which is neutral and non-polar, at codon 2 of the TFRC protein (p.Met2Leu). This variant is not present in population databases (gnomAD no frequency). This variant has not been reported in the literature in individuals affected with TFRC-related conditions. An algorithm developed to predict the effect of missense changes on protein structure and function (PolyPhen-2) suggests that this variant is likely to be disruptive. In summary, the available evidence is currently insufficient to determine the role of this variant in disease. Therefore, it has been classified as a Variant of Uncertain Significance.